The following is an entry in ClinVar:

ClinVar aggregate classification (germline): Uncertain significance. Review status: criteria provided, multiple submitters, no conflicts (2 of 4 stars). 2 submissions from 2 submitters: Uncertain significance (2). Last evaluated 2025-12-02.

Conditions:
Amyotrophic lateral sclerosis type 4 (ALS4). Also called: NEURONOPATHY, DISTAL HEREDITARY MOTOR, WITH PYRAMIDAL FEATURES; AMYOTROPHIC LATERAL SCLEROSIS 4, JUVENILE. Identifiers: Orphanet 357043, MedGen C1865409, MONDO:0011223, OMIM 602433.
Spinocerebellar ataxia, autosomal recessive, with axonal neuropathy 2 (SCAN2). Also called: Ataxia-ocular apraxia-2; Ataxia with Oculomotor Apraxia; ATAXIA-OCULOMOTOR APRAXIA 2; Ataxia with Oculomotor Apraxia Type 2. Identifiers: Orphanet 64753, MedGen C1853761, MONDO:0018996, OMIM 606002.

Submissions (2):

Labcorp Genetics (formerly Invitae), Labcorp
Classification: Uncertain significance for Amyotrophic lateral sclerosis type 4; Spinocerebellar ataxia, autosomal recessive, with axonal neuropathy 2. Last evaluated: 2025-12-02. Review status: criteria provided, single submitter. Criteria: Invitae Variant Classification Sherloc (09022015). Collection method: clinical testing. Allele origin: germline.
Comment: This sequence change replaces proline, which is neutral and non-polar, with alanine, which is neutral and non-polar, at codon 2467 of the SETX protein (p.Pro2467Ala). This variant is not present in population databases (gnomAD no frequency). This variant has not been reported in the literature in individuals affected with SETX-related conditions. ClinVar contains an entry for this variant (Variation ID: 1694009). Invitae Evidence Modeling of protein sequence and biophysical properties (such as structural, functional, and spatial information, amino acid conservation, physicochemical variation, residue mobility, and thermodynamic stability) indicates that this missense variant is not expected to disrupt SETX protein function with a negative predictive value of 95%. In summary, the available evidence is currently insufficient to determine the role of this variant in disease. Therefore, it has been classified as a Variant of Uncertain Significance.

Mayo Clinic Laboratories, Mayo Clinic
Classification: Uncertain significance. Last evaluated: 2025-10-20. Review status: criteria provided, single submitter. Criteria: ACMG Guidelines, 2015. Collection method: clinical testing. Allele origin: germline. Observed: 2 variant alleles.
Comment: BP4

NM_015046.7(SETX):c.7399C>G (p.Pro2467Ala)

Gene: SETX (senataxin; minus strand). Cytogenetic location: 9q34.13.
Variant type: single nucleotide variant.
Coding change: c.7399C>G on transcript NM_015046.7 (MANE Select); coding-DNA position 7399, C replaced by G.
Protein change: p.Pro2467Ala; replaces proline 2467 with alanine.
Molecular consequence: missense variant.
Genome position (GRCh38, 1-based): chr9:132,264,874, G>C on the plus strand (C>G on the coding strand, the complement: SETX is on the minus strand). VCF-style: chr9-132264874-G-C. GRCh37 (hg19) VCF-style: chr9-135140261-G-C.
Other names: p.Pro2467Ala; c.7399C>G, p.Pro2467Ala (NM_001351527.2); c.7486C>G, p.Pro2496Ala (NM_001351528.2); short protein forms P2467A, P2496A.
Identifiers: ClinVar variation 1694009 (VCV001694009.7), dbSNP rs2131114875, ClinGen allele CA375325674.